The following is an entry in ClinVar:

NM_001099922.3(ALG13):c.2672C>T (p.Ser891Phe)

Gene: ALG13 (ALG13 UDP-N-acetylglucosaminyltransferase subunit; plus strand). Cytogenetic location: Xq23.
Variant type: single nucleotide variant.
Coding change: c.2672C>T on transcript NM_001099922.3 (MANE Select); coding-DNA position 2672, C replaced by T.
Protein change: p.Ser891Phe; replaces serine 891 with phenylalanine.
Molecular consequence: missense variant. On other transcripts: non-coding transcript variant (1).
Genome position (GRCh38, 1-based): chrX:111,736,856, C>T. VCF-style: chrX-111736856-C-T. GRCh37 (hg19) VCF-style: chrX-110980084-C-T.
Other names: p.Ser891Phe; c.2360C>T, p.Ser787Phe (NM_001257230.2, NM_001257234.2, NM_001257237.2); c.2438C>T, p.Ser813Phe (NM_001257231.2); c.2672C>T, p.Ser891Phe (NM_001324292.2); c.2186C>T, p.Ser729Phe (NM_001324293.1); short protein forms S891F, S787F, S729F, S813F.
Identifiers: ClinVar variation 238293 (VCV000238293.23), dbSNP rs200066623, ClinGen allele CA10493952.

ClinVar aggregate classification (germline): Benign/Likely benign. Review status: criteria provided, multiple submitters, no conflicts (2 of 4 stars). 10 submissions from 10 submitters: Benign (6); Likely benign (1). 3 of the submissions do not count toward it. Last evaluated 2026-01-27.

Conditions:
Inborn genetic diseases. Identifiers: MedGen C0950123, MeSH D030342.
Developmental and epileptic encephalopathy, 36 (DEE36). Also called: Epileptic encephalopathy, early infantile, 36; ALG13-CDG; Congenital disorder of glycosylation, type Is. Identifiers: Orphanet 324422, MedGen C4317295, MONDO:0010472, OMIM 300884.

Allele frequency attached by ClinVar (database versions not stated): 1000 Genomes Project 0.00053; 1000 Genomes Project 30x 0.00062; ESP Exome Variant Server 0.00098; TOPMed 0.00108; gnomAD exomes 0.00292 and 0.00512; gnomAD 0.00368 and 0.00390; ExAC 0.00392.
gnomAD v4.1: 3,623 of 1,206,632 alleles (0.3%); highest among the groups gnomAD compares: Non-Finnish European, 0.17%; 25 homozygotes.

Submissions (10):

Labcorp Genetics (formerly Invitae), Labcorp
Classification: Benign for Developmental and epileptic encephalopathy, 36. Last evaluated: 2026-01-27. Review status: criteria provided, single submitter. Criteria: Invitae Variant Classification Sherloc (09022015). Collection method: clinical testing. Allele origin: germline.

Blueprint Genetics
Classification: Likely benign. Last evaluated: 2024-11-21. Review status: criteria provided, single submitter. Criteria: ACMG Guidelines, 2015. Collection method: clinical testing. Allele origin: germline.

Genome-Nilou Lab
Classification: Benign for Developmental and epileptic encephalopathy, 36. Last evaluated: 2021-12-05. Review status: criteria provided, single submitter. Criteria: ACMG Guidelines, 2015. Collection method: clinical testing. Allele origin: germline. Affected: no.

Mayo Clinic Laboratories, Mayo Clinic
Classification: Benign. Last evaluated: 2019-04-05. Review status: criteria provided, single submitter. Criteria: ACMG Guidelines, 2015. Collection method: clinical testing. Allele origin: germline. Observed: 2 variant alleles.

Ambry Genetics
Classification: Benign for Inborn genetic diseases. Last evaluated: 2017-05-09. Review status: criteria provided, single submitter. Criteria: Ambry Variant Classification Scheme 2023. Collection method: clinical testing. Allele origin: germline.

GeneDx
Classification: Benign. Last evaluated: 2017-01-11. Review status: criteria provided, single submitter. Criteria: GeneDx Variant Classification (06012015). Collection method: clinical testing. Allele origin: germline. Affected: yes.
Comment: This variant is considered likely benign or benign based on one or more of the following criteria: it is a conservative change, it occurs at a poorly conserved position in the protein, it is predicted to be benign by multiple in silico algorithms, and/or has population frequency not consistent with disease.

Breakthrough Genomics
Classification: Benign. Review status: criteria provided, single submitter. Criteria: ACMG Guidelines, 2015. Collection method: not provided. Allele origin: germline. Inheritance: X-linked inheritance. Affected: yes.

Clinical Genetics DNA and cytogenetics Diagnostics Lab, Erasmus MC, Erasmus Medical Center
Classification: Likely benign. Review status: no assertion criteria provided. Collection method: clinical testing. Allele origin: germline. Affected: yes. Study: VKGL Data-share Consensus. Not counted in ClinVar's aggregate classification.

Genome Diagnostics Laboratory, University Medical Center Utrecht
Classification: Benign. Review status: no assertion criteria provided. Collection method: clinical testing. Allele origin: germline. Affected: yes. Study: VKGL Data-share Consensus. Not counted in ClinVar's aggregate classification.

Laboratory of Diagnostic Genome Analysis, Leiden University Medical Center (LUMC)
Classification: Likely benign. Review status: no assertion criteria provided. Collection method: clinical testing. Allele origin: germline. Affected: yes. Study: VKGL Data-share Consensus. Not counted in ClinVar's aggregate classification.